The following is an entry in ClinVar:

ClinVar aggregate classification (germline): Likely benign. Review status: criteria provided, multiple submitters, no conflicts (2 of 4 stars). 2 submissions from 2 submitters: Likely benign (2). Last evaluated 2026-01-23.

Conditions:
GRIA3-related disorder. Also called: GRIA3-related condition.

Allele frequency attached by ClinVar (database versions not stated): gnomAD exomes 0.00002; gnomAD 0.00003 and 0.00004; ExAC 0.00005; TOPMed 0.00009.
gnomAD v4.1: 12 of 1,207,744 alleles (0.00099%); highest among the groups gnomAD compares: African/African-American, 0.018%; no homozygotes.

Submissions (2):

PreventionGenetics, part of Exact Sciences
Classification: Likely benign for GRIA3-related condition. Last evaluated: 2026-01-23. Review status: criteria provided, single submitter. Criteria: ACMG Guidelines, 2015. Collection method: clinical testing. Allele origin: germline.
Comment: This variant is classified as likely benign based on ACMG/AMP sequence variant interpretation guidelines (Richards et al. 2015 PMID: 25741868, with internal and published modifications).

Labcorp Genetics (formerly Invitae), Labcorp
Classification: Likely benign. Last evaluated: 2025-07-08. Review status: criteria provided, single submitter. Criteria: Invitae Variant Classification Sherloc (09022015). Collection method: clinical testing. Allele origin: germline.

NM_007325.5(GRIA3):c.336C>A (p.Thr112=)

Gene: GRIA3 (glutamate ionotropic receptor AMPA type subunit 3; plus strand). Cytogenetic location: Xq25.
Variant type: single nucleotide variant.
Coding change: c.336C>A on transcript NM_007325.5 (MANE Select); coding-DNA position 336, C replaced by A.
Protein change: p.Thr112=; no amino-acid change (threonine 112 retained).
Molecular consequence: synonymous variant.
Genome position (GRCh38, 1-based): chrX:123,253,370, C>A. VCF-style: chrX-123253370-C-A. GRCh37 (hg19) VCF-style: chrX-122387221-C-A.
Other names: c.336C>A, p.Thr112= (NM_000828.5); c.336C>A (NM_000828.4).
Identifiers: ClinVar variation 1534470 (VCV001534470.9), dbSNP rs749960617, ClinGen allele CA10506884.